The following is an entry in ClinVar:

NM_015338.6(ASXL1):c.3111G>C (p.Trp1037Cys)

Gene: ASXL1 (ASXL transcriptional regulator 1; plus strand). Cytogenetic location: 20q11.21.
Variant type: single nucleotide variant.
Coding change: c.3111G>C on transcript NM_015338.6 (MANE Select); coding-DNA position 3111, G replaced by C.
Protein change: p.Trp1037Cys; replaces tryptophan 1037 with cysteine.
Molecular consequence: missense variant.
Genome position (GRCh38, 1-based): chr20:32,435,823, G>C. VCF-style: chr20-32435823-G-C. GRCh37 (hg19) VCF-style: chr20-31023626-G-C.
Other names: c.2928G>C, p.Trp976Cys (NM_001363734.1); short protein forms W1037C, W976C.
Identifiers: ClinVar variation 4588115 (VCV004588115.1).
Genomic context (GRCh38, chr20:32,435,823, plus strand): 5'-CACTAGAGAAGCTGCAGTGACAAAGGGATCTTCGGTGGACAAGGATGAGAAACCCAATTG[G>C]AACCAATCTGCCCCACTGTCCAAGGTGAATGGTGACATGCGTCTGGTTACAAGGACAGAT-3'
Protein context (NP_056153.2, residues 1027-1047): SSVDKDEKPN[Trp1037Cys]NQSAPLSKVN

ClinVar aggregate classification (germline): Uncertain significance (1 of 4 stars; one submission).

Conditions:
Inborn genetic diseases. Identifiers: MedGen C0950123, MeSH D030342.

Submission:

Ambry Genetics
Classification: Uncertain significance for Inborn genetic diseases. Last evaluated: 2025-10-26. Review status: criteria provided, single submitter. Criteria: Ambry Variant Classification Scheme 2023. Collection method: clinical testing. Allele origin: germline.
Comment: The p.W1037C variant (also known as c.3111G>C), located in coding exon 13 of the ASXL1 gene, results from a G to C substitution at nucleotide position 3111. The tryptophan at codon 1037 is replaced by cysteine, an amino acid with highly dissimilar properties. This amino acid position is conserved. In addition, this alteration is predicted to be tolerated by in silico analysis. Based on the available evidence, the clinical significance of this variant remains unclear.